The following is an entry in ClinVar:

ClinVar aggregate classification (germline): Uncertain significance (1 of 4 stars; one submission).

Allele frequency attached by ClinVar (database versions not stated): gnomAD 0.00001; TOPMed 0.00005; ExAC 0.00014.
gnomAD v4.1: 21 of 1,603,736 alleles (0.0013%); highest among the groups gnomAD compares: East Asian, 0.045%; no homozygotes.

Submission:

Labcorp Genetics (formerly Invitae), Labcorp
Classification: Uncertain significance. Last evaluated: 2022-03-28. Review status: criteria provided, single submitter. Criteria: Invitae Variant Classification Sherloc (09022015). Collection method: clinical testing. Allele origin: germline.
Comment: This sequence change replaces threonine, which is neutral and polar, with serine, which is neutral and polar, at codon 550 of the WHRN protein (p.Thr550Ser). This variant is present in population databases (rs766198386, gnomAD 0.1%). This variant has not been reported in the literature in individuals affected with WHRN-related conditions. Algorithms developed to predict the effect of missense changes on protein structure and function output the following: SIFT: "Tolerated"; PolyPhen-2: "Benign"; Align-GVGD: "Class C0". The serine amino acid residue is found in multiple mammalian species, which suggests that this missense change does not adversely affect protein function. In summary, the available evidence is currently insufficient to determine the role of this variant in disease. Therefore, it has been classified as a Variant of Uncertain Significance.

NM_015404.4(WHRN):c.1649C>G (p.Thr550Ser)

Gene: WHRN (whirlin; minus strand). Cytogenetic location: 9q32.
Variant type: single nucleotide variant.
Coding change: c.1649C>G on transcript NM_015404.4 (MANE Select); coding-DNA position 1649, C replaced by G.
Protein change: p.Thr550Ser; replaces threonine 550 with serine.
Molecular consequence: missense variant.
Genome position (GRCh38, 1-based): chr9:114,407,996, G>C on the plus strand (C>G on the coding strand, the complement: WHRN is on the minus strand). VCF-style: chr9-114407996-G-C. GRCh37 (hg19) VCF-style: chr9-117170276-G-C.
Other names: c.500C>G, p.Thr167Ser (NM_001083885.3); c.1649C>G, p.Thr550Ser (NM_001173425.2); c.596C>G, p.Thr199Ser (NM_001346890.1); short protein forms T550S, T167S, T199S.
Identifiers: ClinVar variation 1930482 (VCV001930482.2), dbSNP rs766198386, ClinGen allele CA5205865.